The following is an entry in ClinVar:

ClinVar aggregate classification (germline): Uncertain significance (1 of 4 stars; one submission).

Submission:

Labcorp Genetics (formerly Invitae), Labcorp
Classification: Uncertain significance. Last evaluated: 2026-01-05. Review status: criteria provided, single submitter. Criteria: Invitae Variant Classification Sherloc (09022015). Collection method: clinical testing. Allele origin: germline.
Comment: This sequence change replaces aspartic acid, which is acidic and polar, with asparagine, which is neutral and polar, at codon 418 of the LCA5 protein (p.Asp418Asn). This variant is not present in population databases (gnomAD no frequency). This variant has not been reported in the literature in individuals affected with LCA5-related conditions. ClinVar contains an entry for this variant (Variation ID: 1955821). Invitae Evidence Modeling of protein sequence and biophysical properties (such as structural, functional, and spatial information, amino acid conservation, physicochemical variation, residue mobility, and thermodynamic stability) indicates that this missense variant is not expected to disrupt LCA5 protein function with a negative predictive value of 80%. In summary, the available evidence is currently insufficient to determine the role of this variant in disease. Therefore, it has been classified as a Variant of Uncertain Significance.

NM_001122769.3(LCA5):c.1252G>A (p.Asp418Asn)

Gene: LCA5 (lebercilin LCA5; minus strand). Cytogenetic location: 6q14.1.
Variant type: single nucleotide variant.
Coding change: c.1252G>A on transcript NM_001122769.3 (MANE Select); coding-DNA position 1252, G replaced by A.
Protein change: p.Asp418Asn; replaces aspartic acid 418 with asparagine.
Molecular consequence: missense variant.
Genome position (GRCh38, 1-based): chr6:79,487,846, C>T on the plus strand (G>A on the coding strand, the complement: LCA5 is on the minus strand). VCF-style: chr6-79487846-C-T. GRCh37 (hg19) VCF-style: chr6-80197563-C-T.
Other names: c.1252G>A, p.Asp418Asn (NM_181714.4); short protein forms D418N.
Identifiers: ClinVar variation 1955821 (VCV001955821.3), dbSNP rs2533371122, ClinGen allele CA364641323.
Genomic context (GRCh38, chr6:79,487,846, plus strand): 5'-TTTCCCACTCTGGCTTTTCTTCTCTTTCCAGTAAAGATGCCTTTTCTTTTTGCTTTTTAT[C>T]AAGTTCTTCTCTTTCCCATTCTGTATGAAATCAAATTTTTTAAATGGGATTTTGTAACAG-3'
Protein context (NP_001116241.1, residues 408-428): LEDEWEREEL[Asp418Asn]KKQKEKASLL